The following is an entry in ClinVar:

NM_033337.3(CAV3):c.443G>A (p.Arg148Gln)

Genes: CAV3 (caveolin 3; plus strand), OXTR (oxytocin receptor; minus strand). Cytogenetic location: 3p25.3.
Variant type: single nucleotide variant.
Coding change: c.443G>A on transcript NM_033337.3 (MANE Select); coding-DNA position 443, G replaced by A.
Protein change: p.Arg148Gln; replaces arginine 148 with glutamine.
Molecular consequence: missense variant.
Genome position (GRCh38, 1-based): chr3:8,745,854, G>A. VCF-style: chr3-8745854-G-A. GRCh37 (hg19) VCF-style: chr3-8787540-G-A.
Other names: p.R148Q:CGG>CAG; c.443G>A, p.Arg148Gln (NM_001234.5); short protein forms R148Q.
Identifiers: ClinVar variation 96240 (VCV000096240.37), dbSNP rs140575619, ClinGen allele CA223856.

ClinVar aggregate classification (germline): Conflicting classifications of pathogenicity. Review status: criteria provided, conflicting classifications (1 of 4 stars). 15 submissions from 15 submitters: Uncertain significance (3); Benign (4); Likely benign (4). 4 of the submissions do not count toward it. Last evaluated 2026-01-24.

Conditions:
CAV3-related disorder. Also called: CAV3-related condition.
Cardiovascular phenotype. Identifiers: MedGen CN230736.
Long QT syndrome (LQTS). Identifiers: MedGen C0023976, MeSH D008133, MONDO:0002442. Disease mechanism: loss of function. Inheritance: Various modes of inheritance.
Caveolinopathy. Identifiers: Orphanet 207078, MedGen C5679790, MONDO:0016146.
Cardiomyopathy (CMYO). Also called: Cardiomyopathies. Identifiers: Orphanet 167848, MedGen C0878544, MONDO:0004994, HP:0001638. Inheritance: Various modes of inheritance.

Allele frequency attached by ClinVar (database versions not stated): ExAC 0.00025; gnomAD exomes 0.00009 and 0.00025; ESP Exome Variant Server 0.00015; TOPMed 0.00057; 1000 Genomes Project 0.00100; gnomAD 0.00049 and 0.00050; 1000 Genomes Project 30x 0.00078.
gnomAD v4.1: 203 of 1,611,604 alleles (0.013%); highest among the groups gnomAD compares: African/African-American, 0.11%; 1 homozygote.

Submissions (15):

Labcorp Genetics (formerly Invitae), Labcorp
Classification: Likely benign for Long QT syndrome. Last evaluated: 2026-01-24. Review status: criteria provided, single submitter. Criteria: Invitae Variant Classification Sherloc (09022015). Collection method: clinical testing. Allele origin: germline.

Women's Health and Genetics/Laboratory Corporation of America, LabCorp
Classification: Likely benign. Last evaluated: 2024-10-27. Review status: criteria provided, single submitter. Criteria: LabCorp Variant Classification Summary - May 2015. Collection method: clinical testing. Allele origin: germline.

Blueprint Genetics
Classification: Likely benign. Last evaluated: 2024-07-18. Review status: criteria provided, single submitter. Criteria: ACMG Guidelines, 2015. Collection method: clinical testing. Allele origin: germline.

Revvity Omics, Revvity
Classification: Uncertain significance. Last evaluated: 2024-01-17. Review status: criteria provided, single submitter. Criteria: ACMG Guidelines, 2015. Collection method: clinical testing. Allele origin: germline.

GeneDx
Classification: Benign. Last evaluated: 2020-10-07. Review status: criteria provided, single submitter. Criteria: GeneDx Variant Classification Process June 2021. Collection method: clinical testing. Allele origin: germline. Affected: yes.

Ambry Genetics
Classification: Likely benign for Cardiovascular phenotype. Last evaluated: 2019-08-20. Review status: criteria provided, single submitter. Criteria: Ambry Variant Classification Scheme 2023. Collection method: clinical testing. Allele origin: germline.

CHEO Genetics Diagnostic Laboratory, Children's Hospital of Eastern Ontario
Classification: Benign for Cardiomyopathy. Last evaluated: 2018-03-14. Review status: criteria provided, single submitter. Criteria: ACMG Guidelines, 2015. Collection method: clinical testing. Allele origin: germline.

Laboratory for Molecular Medicine, Mass General Brigham Personalized Medicine
Classification: Benign. Last evaluated: 2017-11-13. Review status: criteria provided, single submitter. Criteria: LMM Criteria. Collection method: clinical testing. Allele origin: germline. Observed: 1 variant allele.
Comment: p.Arg148Gln in exon 2 of CAV3: This variant is not expected to have clinical sig nificance because it has been identified in 0.1% (27/24010) of African chromosom es and 0.1% (33/34402) of Latino chromosomes by the Genome Aggregation Database (gnomAD; dbSNP rs140575619). ACMG/AMP Criteria applied: BA1.

Illumina Laboratory Services, Illumina
Classification: Benign for Caveolinopathy. Last evaluated: 2017-04-28. Review status: criteria provided, single submitter. Criteria: ICSL Variant Classification Criteria 13 December 2019. Collection method: clinical testing. Allele origin: germline.
Comment: This variant was observed as part of a predisposition screen in an ostensibly healthy population. A literature search was performed for the gene, cDNA change, and amino acid change (where applicable). No publications were found based on this search. Allele frequency data from public databases was too high to be consistent with this variant causing disease. Therefore, this variant is classified as benign.

Eurofins Ntd Llc (ga)
Classification: Uncertain significance. Last evaluated: 2015-10-15. Review status: criteria provided, single submitter. Criteria: EGL Classification Definitions 2015. Collection method: clinical testing. Allele origin: germline. Observed: 4 variant alleles, 4 heterozygotes.

Molecular Diagnostic Laboratory for Inherited Cardiovascular Disease, Montreal Heart Institute
Classification: Uncertain significance. Review status: criteria provided, single submitter. Criteria: ACMG Guidelines, 2015. Collection method: clinical testing. Allele origin: germline. Affected: yes.

PreventionGenetics, part of Exact Sciences
Classification: Likely benign for CAV3-related condition. Last evaluated: 2022-04-18. Review status: no assertion criteria provided. Collection method: clinical testing. Allele origin: germline. Not counted in ClinVar's aggregate classification.
Comment: This variant is classified as likely benign based on ACMG/AMP sequence variant interpretation guidelines (Richards et al. 2015 PMID: 25741868, with internal and published modifications).

Clinical Genetics, Academic Medical Center
Classification: Likely benign. Review status: no assertion criteria provided. Collection method: clinical testing. Allele origin: germline. Affected: yes. Study: VKGL Data-share Consensus. Not counted in ClinVar's aggregate classification.

Diagnostic Laboratory, Department of Genetics, University Medical Center Groningen
Classification: Likely benign. Review status: no assertion criteria provided. Collection method: clinical testing. Allele origin: germline. Affected: yes. Study: VKGL Data-share Consensus. Not counted in ClinVar's aggregate classification.

Laboratory of Diagnostic Genome Analysis, Leiden University Medical Center (LUMC)
Classification: Likely benign. Review status: no assertion criteria provided. Collection method: clinical testing. Allele origin: germline. Affected: yes. Study: VKGL Data-share Consensus. Not counted in ClinVar's aggregate classification.